The following is an entry in ClinVar:

NM_007294.4(BRCA1):c.4879G>A (p.Ala1627Thr)

Gene: BRCA1 (BRCA1 DNA repair associated; minus strand). Cytogenetic location: 17q21.31.
Variant type: single nucleotide variant.
Coding change: c.4879G>A on transcript NM_007294.4 (MANE Select); coding-DNA position 4879, G replaced by A.
Protein change: p.Ala1627Thr; replaces alanine 1627 with threonine.
Molecular consequence: missense variant. On other transcripts: non-coding transcript variant (1).
Genome position (GRCh38, 1-based): chr17:43,071,035, C>T on the plus strand (G>A on the coding strand, the complement: BRCA1 is on the minus strand). VCF-style: chr17-43071035-C-T. GRCh37 (hg19) VCF-style: chr17-41223052-C-T.
Other names: c.1567G>A, p.Ala523Thr (NM_007298.4, NM_007299.4, NM_007304.2 and 13 more transcripts); c.4942G>A, p.Ala1648Thr (NM_007300.4, NM_001407583.1, NM_001407585.1 and 1 more transcripts); c.4666G>A, p.Ala1556Thr (NM_001407571.1, NM_001407894.1, NM_001407895.1 and 12 more transcripts); c.4945G>A, p.Ala1649Thr (NM_001407581.1, NM_001407582.1); c.4939G>A, p.Ala1647Thr (NM_001407590.1, NM_001407591.1); c.4879G>A, p.Ala1627Thr (NM_001407593.1, NM_001407594.1, NM_001407596.1 and 8 more transcripts); c.4876G>A, p.Ala1626Thr (NM_001407619.1, NM_001407620.1, NM_001407621.1 and 17 more transcripts); c.4873G>A, p.Ala1625Thr (NM_001407627.1, NM_001407638.1, NM_001407639.1 and 14 more transcripts); and 71 more; short protein forms A1627T, A1580T, A1648T, A523T, A1514T, A1516T, A1538T, A1555T.
Identifiers: ClinVar variation 441357 (VCV000441357.19), dbSNP rs774505084, ClinGen allele CA053401.

ClinVar aggregate classification (germline): Uncertain significance. Review status: criteria provided, multiple submitters, no conflicts (2 of 4 stars). 5 submissions from 5 submitters: Uncertain significance (5). Last evaluated 2025-08-04.

Conditions:
Hereditary breast ovarian cancer syndrome. Also called: Hereditary breast and ovarian cancer syndrome (HBOC); BRCA1- and BRCA2-Associated Hereditary Breast and Ovarian Cancer; Hereditary breast and/or ovarian cancer syndrome; Hereditary breast and ovarian cancer syndrome; Hereditary breast and ovarian cancer; Breast and ovarian cancer. Identifiers: Orphanet 145, MedGen C0677776, MeSH D061325, MONDO:0003582. Disease mechanism: loss of function.
Hereditary cancer-predisposing syndrome. Also called: Neoplastic Syndromes, Hereditary; Hereditary neoplastic syndrome; Tumor predisposition; Hereditary Cancer Syndrome. Identifiers: Orphanet 140162, MedGen C0027672, MeSH D009386, MONDO:0015356.
BRCA1-related cancer predisposition. Identifiers: MedGen CN377757, MONDO:0700268.
Breast-ovarian cancer, familial, susceptibility to, 1 (BROVCA1). Also called: BRCA1 Hereditary Breast and Ovarian Cancer; OVARIAN CANCER, SUSCEPTIBILITY TO. Identifiers: Orphanet 145, MedGen C2676676, MONDO:0011450, OMIM 604370. Disease mechanism: loss of function.

Allele frequency attached by ClinVar (database versions not stated): gnomAD exomes below 0.00001; ExAC 0.00001.
gnomAD v4.1: 1 of 1,614,232 alleles (0.000062%); highest among the groups gnomAD compares: South Asian, 0.0011%; no homozygotes.

Submissions (5):

KCCC/NGS Laboratory, Kuwait Cancer Control Center
Classification: Uncertain significance for Breast-ovarian cancer, familial, susceptibility to, 1. Last evaluated: 2025-08-04. Review status: criteria provided, single submitter. Criteria: ACMG Guidelines, 2015. Collection method: clinical testing. Allele origin: germline. Inheritance: Autosomal dominant inheritance. Affected: yes. Observed: 1 heterozygote.
Comment: This sequence change replaces alanine, which is neutral and non‐polar, with threonine, which is neutral and polar, at codon 1627 of the BRCA1 protein (p.Ala1627Thr). This amino acid position is poorly conserved.

Labcorp Genetics (formerly Invitae), Labcorp
Classification: Uncertain significance for Hereditary breast ovarian cancer syndrome. Last evaluated: 2024-05-19. Review status: criteria provided, single submitter. Criteria: Invitae Variant Classification Sherloc (09022015). Collection method: clinical testing. Allele origin: germline.
Comment: This sequence change replaces alanine, which is neutral and non-polar, with threonine, which is neutral and polar, at codon 1627 of the BRCA1 protein (p.Ala1627Thr). This variant is present in population databases (rs774505084, gnomAD 0.003%). This variant has not been reported in the literature in individuals affected with BRCA1-related conditions. ClinVar contains an entry for this variant (Variation ID: 441357). Advanced modeling of protein sequence and biophysical properties (such as structural, functional, and spatial information, amino acid conservation, physicochemical variation, residue mobility, and thermodynamic stability) performed at Invitae indicates that this missense variant is not expected to disrupt BRCA1 protein function with a negative predictive value of 95%. Experimental studies have shown that this missense change does not substantially affect BRCA1 function (PMID: 32546644). In summary, the available evidence is currently insufficient to determine the role of this variant in disease. Therefore, it has been classified as a Variant of Uncertain Significance.

All of Us Research Program, National Institutes of Health
Classification: Uncertain significance for BRCA1-related cancer predisposition. Last evaluated: 2024-04-16. Review status: criteria provided, single submitter. Criteria: ACMG Guidelines, 2015. Collection method: clinical testing. Allele origin: germline. Inheritance: Autosomal dominant inheritance. Observed: 1 variant allele, 1 heterozygote.
Comment: This missense variant replaces alanine with threonine at codon 1627 of the BRCA1 protein. Computational prediction is inconclusive regarding the impact of this variant on protein structure and function. A functional study has reported that this variant does not impact BRCA1 function in the complementation of Brca1-deficient mouse embryonic stem cells in homology-directed DNA repair and cisplatin and PARP inhibitor sensitivity assays (PMID: 32546644). This variant has been reported in an individual affected with breast or ovarian cancer (DOI: 10.1515/tjb-2019-0424). This variant has been identified in 1/251386 chromosomes in the general population by the Genome Aggregation Database (gnomAD). The available evidence is insufficient to determine the role of this variant in disease conclusively. Therefore, this variant is classified as a Variant of Uncertain Significance.

This study involves interpretation of variants in research participants for the purpose of population health screening. Participant phenotype was not available at the time of variant classification. Additional details can be found in publication PMID: 35346344, PMCID: PMC8962531

Color Diagnostics, LLC DBA Color Health
Classification: Uncertain significance for Hereditary cancer-predisposing syndrome. Last evaluated: 2024-03-29. Review status: criteria provided, single submitter. Criteria: ACMG Guidelines, 2015. Collection method: clinical testing. Allele origin: germline.
Comment: This missense variant replaces alanine with threonine at codon 1627 of the BRCA1 protein. Computational prediction is inconclusive regarding the impact of this variant on protein structure and function. A functional study has reported that this variant does not impact BRCA1 function in the complementation of Brca1-deficient mouse embryonic stem cells in homology-directed DNA repair and cisplatin and PARP inhibitor sensitivity assays (PMID: 32546644). This variant has been reported in an individual affected with breast or ovarian cancer (DOI: 10.1515/tjb-2019-0424). This variant has been identified in 1/251386 chromosomes in the general population by the Genome Aggregation Database (gnomAD). The available evidence is insufficient to determine the role of this variant in disease conclusively. Therefore, this variant is classified as a Variant of Uncertain Significance.

Ambry Genetics
Classification: Uncertain significance for Hereditary cancer-predisposing syndrome. Last evaluated: 2023-03-15. Review status: criteria provided, single submitter. Criteria: Ambry Variant Classification Scheme 2023. Collection method: clinical testing. Allele origin: germline.
Comment: The p.A1627T variant (also known as c.4879G>A), located in coding exon 14 of the BRCA1 gene, results from a G to A substitution at nucleotide position 4879. The alanine at codon 1627 is replaced by threonine, an amino acid with similar properties. This amino acid position is poorly conserved in available vertebrate species. In addition, the in silico prediction for this alteration is inconclusive. Since supporting evidence is limited at this time, the clinical significance of this alteration remains unclear.

Literature cited by the submitters: PubMed 32546644 (cited by 3 submitters).